The following is an entry in ClinVar:

NM_201384.3(PLEC):c.341_342del (p.Gln114fs)

Gene: PLEC (plectin; minus strand). Cytogenetic location: 8q24.3.
Variant type: Deletion.
Coding change: c.341_342del on transcript NM_201384.3 (MANE Select); coding-DNA positions 341 to 342, 2 bases deleted (AG; older notation c.341_342delAG).
Protein change: p.Gln114fs; shifts the reading frame from glutamine 114.
Molecular consequence: frameshift variant.
Genome position (GRCh38, 1-based): chr8:143,937,165-143,937,166, CT deleted on the plus strand (AG on the coding strand, the reverse complement: PLEC is on the minus strand). VCF-style (leftmost placement, unchanged base first): chr8-143937164-CCT-C. GRCh37 (hg19) VCF-style: chr8-145011332-CCT-C.
Other names: c.422_423del, p.Gln141fs (NM_000445.5); c.299_300del, p.Gln100fs (NM_201378.4); c.275_276del, p.Gln92fs (NM_201379.3); c.752_753del, p.Gln251fs (NM_201380.4); c.245_246del, p.Gln82fs (NM_201381.3); c.341_342del, p.Gln114fs (NM_201382.4); c.353_354del, p.Gln118fs (NM_201383.3); short protein forms Q251fs, Q118fs, Q92fs, Q100fs, Q114fs, Q141fs, Q82fs.
Identifiers: ClinVar variation 503830 (VCV000503830.2), dbSNP rs1554724125, ClinGen allele CA658797174.

ClinVar aggregate classification (germline): Pathogenic (1 of 4 stars; one submission).

Submission:

GeneDx
Classification: Pathogenic. Last evaluated: 2017-11-16. Review status: criteria provided, single submitter. Criteria: GeneDx Variant Classification (06012015). Collection method: clinical testing. Allele origin: germline. Affected: yes.
Comment: The c.422_423delAG variant in the PLEC gene has not been reported previously as a pathogenic variant nor as a benign variant, to our knowledge. This variant causes a frameshift starting with codon Glutamine 141, changes this amino acid to an Arginine residue, and creates a premature Stop codon at position 9 of the new reading frame, denoted p.Gln141ArgfsX9. The c.422_423delAG variant is predicted to cause loss of normal protein function either through protein truncation or nonsense-mediated mRNA decay. This variant is not observed in large population cohorts (Lek et al., 2016). We interpret c.422_423delAG as a pathogenic variant.